The following is an entry in ClinVar:

ClinVar aggregate classification (germline): Pathogenic (1 of 4 stars; one submission).

Conditions:
Donnai-Barrow syndrome. Also called: DBS/FOAR SYNDROME; FACIOOCULOACOUSTICORENAL SYNDROME. Identifiers: Orphanet 2143, MedGen C1857277, MONDO:0009104, OMIM 222448.

Submission:

Myriad Genetics, Inc.
Classification: Pathogenic for Donnai-Barrow syndrome. Last evaluated: 2025-12-04. Review status: criteria provided, single submitter. Criteria: Myriad Autosomal Dominant, Autosomal Recessive and X-Linked Classification Criteria (2023). Collection method: clinical testing. Allele origin: unknown.
Comment: NM_004525.2(LRP2):c.590delC(P197Lfs*94) is expected to be pathogenic in the context of Donnai-Barrow syndrome. This variant is predicted to lead to an abnormal or absent protein product due to the creation of a premature termination codon in LRP2, a gene where loss-of-function variants are known to be pathogenic. Please note: this variant was assessed in the context of healthy population screening.

NM_004525.3(LRP2):c.590del (p.Pro197fs)

Gene: LRP2 (LDL receptor related protein 2; minus strand). Cytogenetic location: 2q31.1.
Variant type: Deletion.
Coding change: c.590del on transcript NM_004525.3 (MANE Select); coding-DNA position 590, one base deleted (C; older notation c.590delC).
Protein change: p.Pro197fs; shifts the reading frame from proline 197.
Molecular consequence: frameshift variant.
Genome position (GRCh38, 1-based): chr2:169,294,210, G deleted on the plus strand (C on the coding strand, the reverse complement: LRP2 is on the minus strand); the first of 3 consecutive G bases (chr2:169,294,210-169,294,212); deleting any one gives the same sequence. VCF-style (leftmost placement, unchanged base first): chr2-169294209-AG-A. GRCh37 (hg19) VCF-style: chr2-170150719-AG-A.
Other names: short protein forms P197fs.
Identifiers: ClinVar variation 5015290 (VCV005015290.1).
Genomic context (GRCh38, chr2:169,294,209, plus strand): 5'-GCAAGCATGTTCGTCACTGCCGTCTTGGCAATCATTGTCATGGTCACAGACATAAGCACG[AG>A]GGATACACTCTCCATTGCCACATGAAAACTCATTGTGCAAGCATATCTCAGCTGCAACAG-3'